The following is an entry in ClinVar:

NM_005198.5(CHKB):c.677+52G>T

Genes: CHKB (choline kinase beta; minus strand), CHKB-CPT1B (CHKB-CPT1B readthrough (NMD candidate); minus strand). Cytogenetic location: 22q13.33.
Variant type: single nucleotide variant.
Coding change: c.677+52G>T on transcript NM_005198.5 (MANE Select); 52 bases into the intron after coding-DNA position 677, G replaced by T.
Molecular consequence: intron variant.
Genome position (GRCh38, 1-based): chr22:50,580,513, C>A on the plus strand (G>T on the coding strand, the complement: CHKB is on the minus strand). VCF-style: chr22-50580513-C-A. GRCh37 (hg19) VCF-style: chr22-51018942-C-A.
Identifiers: ClinVar variation 676200 (VCV000676200.2), dbSNP rs6010012, ClinGen allele CA325537545.

ClinVar aggregate classification (germline): Benign. Review status: criteria provided, multiple submitters, no conflicts (2 of 4 stars). 2 submissions from 2 submitters: Benign (2). Last evaluated 2018-06-16.

Allele frequency attached by ClinVar (database versions not stated): gnomAD 0.08551 and 0.09053; ESP Exome Variant Server 0.08565; TOPMed 0.09552; 1000 Genomes Project 0.10164; 1000 Genomes Project 30x 0.10587.

Submissions (2):

GeneDx
Classification: Benign. Last evaluated: 2018-06-16. Review status: criteria provided, single submitter. Criteria: GeneDx Variant Classification (06012015). Collection method: clinical testing. Allele origin: germline. Affected: yes.
Comment: This variant is considered likely benign or benign based on one or more of the following criteria: it is a conservative change, it occurs at a poorly conserved position in the protein, it is predicted to be benign by multiple in silico algorithms, and/or has population frequency not consistent with disease.

Breakthrough Genomics
Classification: Benign. Review status: criteria provided, single submitter. Criteria: ACMG Guidelines, 2015. Collection method: not provided. Allele origin: germline. Inheritance: Autosomal recessive inheritance. Affected: yes.